The following is an entry in ClinVar:

ClinVar aggregate classification (germline): Uncertain significance (1 of 4 stars; one submission).

Allele frequency attached by ClinVar (database versions not stated): TOPMed below 0.00001; gnomAD exomes 0.00001.

Submission:

Labcorp Genetics (formerly Invitae), Labcorp
Classification: Uncertain significance. Last evaluated: 2022-10-24. Review status: criteria provided, single submitter. Criteria: Invitae Variant Classification Sherloc (09022015). Collection method: clinical testing. Allele origin: germline.
Comment: This sequence change creates a premature translational stop signal (p.Val164Cysfs*7) in the TRMT5 gene. It is expected to result in an absent or disrupted protein product. However, the current clinical and genetic evidence is not sufficient to establish whether loss-of-function variants in TRMT5 cause disease. This variant is not present in population databases (gnomAD no frequency). This variant has not been reported in the literature in individuals affected with TRMT5-related conditions. ClinVar contains an entry for this variant (Variation ID: 1376851). Experimental studies and prediction algorithms are not available or were not evaluated, and the functional significance of this variant is currently unknown. In summary, the available evidence is currently insufficient to determine the role of this variant in disease. Therefore, it has been classified as a Variant of Uncertain Significance.

NM_020810.3(TRMT5):c.489dup (p.Val164fs)

Gene: TRMT5 (tRNA methyltransferase 5; minus strand). Cytogenetic location: 14q23.1.
Variant type: Duplication.
Coding change: c.489dup on transcript NM_020810.3 (MANE Select); coding-DNA position 489, one base duplicated (T; older notation c.489dupT).
Protein change: p.Val164fs; shifts the reading frame from valine 164.
Molecular consequence: frameshift variant.
Genome position (GRCh38, 1-based): chr14:60,979,409, A duplicated on the plus strand (T on the coding strand, the reverse complement: TRMT5 is on the minus strand). VCF-style (leftmost placement, unchanged base first): chr14-60979408-C-CA. GRCh37 (hg19) VCF-style: chr14-61446126-C-CA.
Other names: c.573dup, p.Val192fs (NM_001350253.1); c.570dup, p.Val191fs (NM_001350254.1); short protein forms V164fs, V192fs, V191fs.
Identifiers: ClinVar variation 1376851 (VCV001376851.6), dbSNP rs1172825880, ClinGen allele CA707419076.